The following is an entry in ClinVar:

NM_014727.3(KMT2B):c.7908T>C (p.Phe2636=)

Gene: KMT2B (lysine methyltransferase 2B; plus strand). Cytogenetic location: 19q13.12.
Variant type: single nucleotide variant.
Coding change: c.7908T>C on transcript NM_014727.3 (MANE Select); coding-DNA position 7908, T replaced by C.
Protein change: p.Phe2636=; no amino-acid change (phenylalanine 2636 retained).
Molecular consequence: synonymous variant.
Genome position (GRCh38, 1-based): chr19:35,738,317, T>C. VCF-style: chr19-35738317-T-C. GRCh37 (hg19) VCF-style: chr19-36229218-T-C.
Identifiers: ClinVar variation 1923879 (VCV001923879.7), dbSNP rs111335381, ClinGen allele CA307802923.

ClinVar aggregate classification (germline): Likely benign. Review status: criteria provided, multiple submitters, no conflicts (2 of 4 stars). 2 submissions from 2 submitters: Likely benign (2). Last evaluated 2026-06-01.

Allele frequency attached by ClinVar (database versions not stated): gnomAD exomes below 0.00001; TOPMed 0.00001.
gnomAD v4.1: 3 of 1,613,868 alleles (0.00019%); highest among the groups gnomAD compares: Admixed American, 0.0017%; no homozygotes.

Submissions (2):

CeGaT Center for Human Genetics Tuebingen
Classification: Likely benign. Last evaluated: 2026-06-01. Review status: criteria provided, single submitter. Criteria: CeGaT Center For Human Genetics Tuebingen Variant Classification Criteria Version 2. Collection method: clinical testing. Allele origin: germline. Affected: yes. Observed: 1 variant allele.
Comment: KMT2B: BP4, BP7

Labcorp Genetics (formerly Invitae), Labcorp
Classification: Likely benign. Last evaluated: 2024-11-04. Review status: criteria provided, single submitter. Criteria: Invitae Variant Classification Sherloc (09022015). Collection method: clinical testing. Allele origin: germline.